The following is an entry in ClinVar:

ClinVar aggregate classification (germline): Uncertain significance (1 of 4 stars; one submission).

Submission:

GeneDx
Classification: Uncertain significance. Last evaluated: 2026-02-10. Review status: criteria provided, single submitter. Criteria: GeneDx Variant Classification Process June 2021. Collection method: clinical testing. Allele origin: germline.
Comment: Not observed at significant frequency in large population cohorts (gnomAD); In silico analysis supports that this missense variant has a deleterious effect on protein structure/function; Has not been previously published as pathogenic or benign to our knowledge

NM_032634.4(PIGO):c.832C>T (p.His278Tyr)

Gene: PIGO (phosphatidylinositol glycan anchor biosynthesis class O; minus strand). Cytogenetic location: 9p13.3.
Variant type: single nucleotide variant.
Coding change: c.832C>T on transcript NM_032634.4 (MANE Select); coding-DNA position 832, C replaced by T.
Protein change: p.His278Tyr; replaces histidine 278 with tyrosine.
Molecular consequence: missense variant.
Genome position (GRCh38, 1-based): chr9:35,093,528, G>A on the plus strand (C>T on the coding strand, the complement: PIGO is on the minus strand). VCF-style: chr9-35093528-G-A. GRCh37 (hg19) VCF-style: chr9-35093525-G-A.
Other names: c.832C>T, p.His278Tyr (NM_001201484.2, NM_152850.4); short protein forms H278Y.
Identifiers: ClinVar variation 4976261 (VCV004976261.1).